The following is an entry in ClinVar:

NM_000212.3(ITGB3):c.748G>C (p.Asp250His)

Gene: ITGB3 (integrin subunit beta 3; plus strand). Cytogenetic location: 17q21.32.
Variant type: single nucleotide variant.
Coding change: c.748G>C on transcript NM_000212.3 (MANE Select); coding-DNA position 748, G replaced by C.
Protein change: p.Asp250His; replaces aspartic acid 250 with histidine.
Molecular consequence: missense variant.
Genome position (GRCh38, 1-based): chr17:47,286,393, G>C. VCF-style: chr17-47286393-G-C. GRCh37 (hg19) VCF-style: chr17-45363759-G-C.
Other names: short protein forms D250H.
Identifiers: ClinVar variation 2839046 (VCV002839046.3), dbSNP rs2547616835, ClinGen allele CA400023647.

ClinVar aggregate classification (germline): Uncertain significance (1 of 4 stars; one submission).

Submission:

Labcorp Genetics (formerly Invitae), Labcorp
Classification: Uncertain significance. Last evaluated: 2023-02-19. Review status: criteria provided, single submitter. Criteria: Invitae Variant Classification Sherloc (09022015). Collection method: clinical testing. Allele origin: germline.
Comment: In summary, the available evidence is currently insufficient to determine the role of this variant in disease. Therefore, it has been classified as a Variant of Uncertain Significance. Advanced modeling of protein sequence and biophysical properties (such as structural, functional, and spatial information, amino acid conservation, physicochemical variation, residue mobility, and thermodynamic stability) performed at Invitae indicates that this missense variant is expected to disrupt ITGB3 protein function. This variant has not been reported in the literature in individuals affected with ITGB3-related conditions. This variant is not present in population databases (gnomAD no frequency). This sequence change replaces aspartic acid, which is acidic and polar, with histidine, which is basic and polar, at codon 250 of the ITGB3 protein (p.Asp250His).